The following is an entry in ClinVar:

NM_000057.4(BLM):c.413A>G (p.Lys138Arg)

Gene: BLM (BLM RecQ like helicase; plus strand). Cytogenetic location: 15q26.1.
Variant type: single nucleotide variant.
Coding change: c.413A>G on transcript NM_000057.4 (MANE Select); coding-DNA position 413, A replaced by G.
Protein change: p.Lys138Arg; replaces lysine 138 with arginine.
Molecular consequence: missense variant. On other transcripts: 5 prime UTR variant (1).
Genome position (GRCh38, 1-based): chr15:90,749,681, A>G. VCF-style: chr15-90749681-A-G. GRCh37 (hg19) VCF-style: chr15-91292911-A-G.
Other names: c.413A>G, p.Lys138Arg (NM_001287246.2, NM_001287247.2); c.-879A>G (NM_001287248.2); c.413A>G (NM_000057.2); short protein forms K138R.
Identifiers: ClinVar variation 861958 (VCV000861958.12), dbSNP rs1895615140, ClinGen allele CA393840492.

ClinVar aggregate classification (germline): Uncertain significance. Review status: criteria provided, multiple submitters, no conflicts (2 of 4 stars). 2 submissions from 2 submitters: Uncertain significance (2). Last evaluated 2024-09-02.

Conditions:
Hereditary cancer-predisposing syndrome. Also called: Tumor predisposition; Hereditary neoplastic syndrome; Neoplastic Syndromes, Hereditary; Hereditary Cancer Syndrome. Identifiers: Orphanet 140162, MedGen C0027672, MeSH D009386, MONDO:0015356.
Bloom syndrome (BLM). Also called: Bloom-Torre-Machacek syndrome. Identifiers: Orphanet 125, MedGen C0005859, MONDO:0008876, OMIM 210900.

Allele frequency attached by ClinVar (database versions not stated): gnomAD exomes below 0.00001.
gnomAD v4.1: 1 of 1,614,166 alleles (0.000062%); highest among the groups gnomAD compares: Non-Finnish European, 0.000085%; no homozygotes.

Submissions (2):

Ambry Genetics
Classification: Uncertain significance for Hereditary cancer-predisposing syndrome. Last evaluated: 2024-09-02. Review status: criteria provided, single submitter. Criteria: Ambry Variant Classification Scheme 2023. Collection method: clinical testing. Allele origin: germline.
Comment: The p.K138R variant (also known as c.413A>G), located in coding exon 2 of the BLM gene, results from an A to G substitution at nucleotide position 413. The lysine at codon 138 is replaced by arginine, an amino acid with highly similar properties. This amino acid position is conserved. In addition, this alteration is predicted to be tolerated by in silico analysis. Based on the available evidence, the clinical significance of this variant remains unclear.

Labcorp Genetics (formerly Invitae), Labcorp
Classification: Uncertain significance for Bloom syndrome. Last evaluated: 2020-02-26. Review status: criteria provided, single submitter. Criteria: Invitae Variant Classification Sherloc (09022015). Collection method: clinical testing. Allele origin: germline.
Comment: Algorithms developed to predict the effect of missense changes on protein structure and function output the following: SIFT: "Tolerated"; PolyPhen-2: "Probably Damaging"; Align-GVGD: "Class C0". The arginine amino acid residue is found in multiple mammalian species, suggesting that this missense change does not adversely affect protein function. These predictions have not been confirmed by published functional studies and their clinical significance is uncertain. This variant has not been reported in the literature in individuals with BLM-related conditions. This variant is not present in population databases (ExAC no frequency). This sequence change replaces lysine with arginine at codon 138 of the BLM protein (p.Lys138Arg). The lysine residue is weakly conserved and there is a small physicochemical difference between lysine and arginine. In summary, the available evidence is currently insufficient to determine the role of this variant in disease. Therefore, it has been classified as a Variant of Uncertain Significance.